The following is an entry in ClinVar:

ClinVar aggregate classification (germline): Likely pathogenic (0 of 4 stars; one submission).

Conditions:
Polycystic lipomembranous osteodysplasia with sclerosing leukoencephalopathy 1 (PLOSL1). Also called: TYROBP-Related Polycystic Lipomembranous Osteodysplasia with Sclerosing Leukoencephalopathy; TREM2-Related Polycystic Lipomembranous Osteodysplasia with Sclerosing Leukoencephalopathy. Identifiers: Orphanet 2770, MedGen C4721893, MONDO:0020749, OMIM 221770.

Submission:

Juha Muilu Group; Institute for Molecular Medicine Finland (FIMM)
Classification: Likely pathogenic for Polycystic lipomembranous osteodysplasia with sclerosing leukoencephalopathy. Review status: no assertion criteria provided. Collection method: not provided. Allele origin: unknown.
Comment: FinDis database variant: FinDis database variant: This variant was not found or characterized by our laboratory, data were collected from public sources: see reference
ClinVar note: Converted during submission from probable-pathogenic to Likely pathogenic.

NM_003332.4(TYROBP):c.116G>A (p.Ser39Asn)

Gene: TYROBP (transmembrane immune signaling adaptor TYROBP; minus strand). Cytogenetic location: 19q13.12.
Variant type: single nucleotide variant.
Coding change: c.116G>A on transcript NM_003332.4 (MANE Select); coding-DNA position 116, G replaced by A.
Protein change: p.Ser39Asn; replaces serine 39 with asparagine.
Molecular consequence: missense variant. On other transcripts: non-coding transcript variant (1).
Genome position (GRCh38, 1-based): chr19:35,907,559, C>T on the plus strand (G>A on the coding strand, the complement: TYROBP is on the minus strand). VCF-style: chr19-35907559-C-T. GRCh37 (hg19) VCF-style: chr19-36398461-C-T.
Other names: c.83G>A, p.Ser28Asn (NM_001173514.2, NM_001173515.2); c.116G>A, p.Ser39Asn (NM_198125.3); short protein forms S28N, S39N.
Identifiers: ClinVar variation 56394 (VCV000056394.2), dbSNP rs386833839, ClinGen allele CA263863.